The following is an entry in ClinVar:

ClinVar aggregate classification (germline): Uncertain significance. Review status: criteria provided, multiple submitters, no conflicts (2 of 4 stars). 4 submissions from 4 submitters: Uncertain significance (4). Last evaluated 2026-01-28.

Conditions:
Hereditary cancer-predisposing syndrome. Also called: Tumor predisposition; Hereditary Cancer Syndrome; Hereditary neoplastic syndrome; Neoplastic Syndromes, Hereditary. Identifiers: Orphanet 140162, MedGen C0027672, MeSH D009386, MONDO:0015356.
Hereditary nonpolyposis colon cancer (HNPCC). Also called: Hereditary nonpolyposis colorectal cancer; Familial nonpolyposis colon cancer; Hereditary Nonpolyposis Colorectal Cancer Syndrome. Identifiers: Orphanet 443909, MedGen C1333990, MONDO:0018630. Disease mechanism: loss of function.
Familial cancer of breast. Also called: BREAST CANCER, FAMILIAL; Hereditary breast cancer; hereditary breast carcinoma. Identifiers: Orphanet 227535, MedGen C0346153, MONDO:0016419, OMIM 114480. Disease mechanism: loss of function.

Submissions (4):

Labcorp Genetics (formerly Invitae), Labcorp
Classification: Uncertain significance for Familial cancer of breast. Last evaluated: 2026-01-28. Review status: criteria provided, single submitter. Criteria: Invitae Variant Classification Sherloc (09022015). Collection method: clinical testing. Allele origin: germline.
Comment: This sequence change replaces tyrosine, which is neutral and polar, with cysteine, which is neutral and slightly polar, at codon 220 of the CHEK2 protein (p.Tyr220Cys). This variant is not present in population databases (gnomAD no frequency). This missense change has been observed in individual(s) with CHEK2-related conditions (PMID: 34326862). ClinVar contains an entry for this variant (Variation ID: 410012). An algorithm developed to predict the effect of missense changes on protein structure and function (PolyPhen-2) suggests that this variant is likely to be disruptive. In summary, the available evidence is currently insufficient to determine the role of this variant in disease. Therefore, it has been classified as a Variant of Uncertain Significance.

Ambry Genetics
Classification: Uncertain significance for Hereditary cancer-predisposing syndrome. Last evaluated: 2024-05-29. Review status: criteria provided, single submitter. Criteria: Ambry Variant Classification Scheme 2023. Collection method: clinical testing. Allele origin: germline.
Comment: The p.Y220C variant (also known as c.659A>G), located in coding exon 4 of the CHEK2 gene, results from an A to G substitution at nucleotide position 659. The tyrosine at codon 220 is replaced by cysteine, an amino acid with highly dissimilar properties. This amino acid position is highly conserved in available vertebrate species. In addition, this alteration is predicted to be deleterious by in silico analysis. Based on the available evidence, the clinical significance of this variant remains unclear.

Department of Pathology and Laboratory Medicine, Sinai Health System
Classification: Uncertain significance for hereditary nonpolyposis colon cancer. Last evaluated: 2024-03-08. Review status: criteria provided, single submitter. Criteria: ACMG Guidelines, 2015. Collection method: clinical testing. Allele origin: germline. Affected: yes.

GeneDx
Classification: Uncertain significance. Last evaluated: 2022-07-27. Review status: criteria provided, single submitter. Criteria: GeneDx Variant Classification Process June 2021. Collection method: clinical testing. Allele origin: germline. Affected: yes.
Comment: Not observed at significant frequency in large population cohorts (gnomAD); In silico analysis supports that this missense variant has a deleterious effect on protein structure/function; Has not been previously published as pathogenic or benign to our knowledge; This variant is associated with the following publications: (PMID: 22419737, 19782031)

Literature cited by the submitters: PubMed 34326862 (cited by Labcorp Genetics (formerly Invitae), Labcorp).

NM_007194.4(CHEK2):c.659A>G (p.Tyr220Cys)

Gene: CHEK2 (checkpoint kinase 2; minus strand). Cytogenetic location: 22q12.1.
Variant type: single nucleotide variant.
Coding change: c.659A>G on transcript NM_007194.4 (MANE Select); coding-DNA position 659, A replaced by G.
Protein change: p.Tyr220Cys; replaces tyrosine 220 with cysteine.
Molecular consequence: missense variant. On other transcripts: 5 prime UTR variant (2), intron variant (1).
Genome position (GRCh38, 1-based): chr22:28,719,419, T>C on the plus strand (A>G on the coding strand, the complement: CHEK2 is on the minus strand). VCF-style: chr22-28719419-T-C. GRCh37 (hg19) VCF-style: chr22-29115407-T-C.
Other names: c.788A>G, p.Tyr263Cys (NM_001005735.3, NM_001438294.1); c.-5A>G (NM_001257387.3, NM_001437942.1); c.752A>G, p.Tyr251Cys (NM_001438293.1, NM_001438295.1); c.659A>G, p.Tyr220Cys (NM_145862.3); c.482+5467A>G (NM_001349956.3); short protein forms Y220C, Y263C, Y251C.
Identifiers: ClinVar variation 410012 (VCV000410012.15), dbSNP rs1060502690, ClinGen allele CA16616590.